The following is an entry in ClinVar:

ClinVar aggregate classification (germline): Likely pathogenic (1 of 4 stars; one submission).

Conditions:
Thrombocytopenia 1. Also called: THROMBOCYTOPENIA, X-LINKED, 1; X-linked thrombocytopenia with normal platelets; X-Linked Thrombocytopenia (XLT). Identifiers: Orphanet 268322, Orphanet 852, MedGen C1839163, MONDO:0010743, OMIM 313900.
X-linked severe congenital neutropenia (SCNX). Identifiers: Orphanet 86788, MedGen C1845987, MONDO:0010294, OMIM 300299.
Wiskott-Aldrich syndrome (WAS). Also called: ALDRICH SYNDROME; IMMUNODEFICIENCY 2; WISKOTT-ALDRICH SYNDROME 1; Wiskott-aldrich syndrome, somatic. Identifiers: Orphanet 906, MedGen C0043194, MONDO:0010518, OMIM 301000.

Submission:

Labcorp Genetics (formerly Invitae), Labcorp
Classification: Likely pathogenic for Wiskott-Aldrich syndrome; X-linked severe congenital neutropenia; Thrombocytopenia 1. Last evaluated: 2022-09-01. Review status: criteria provided, single submitter. Criteria: Invitae Variant Classification Sherloc (09022015). Collection method: clinical testing. Allele origin: germline.
Comment: In summary, the currently available evidence indicates that the variant is pathogenic, but additional data are needed to prove that conclusively. Therefore, this variant has been classified as Likely Pathogenic. This variant disrupts the p.Gly125 amino acid residue in WAS. Other variant(s) that disrupt this residue have been observed in individuals with WAS-related conditions (PMID: 25091438), which suggests that this may be a clinically significant amino acid residue. Experimental studies have shown that this missense change affects WAS function (PMID: 19817875). Algorithms developed to predict the effect of missense changes on protein structure and function are either unavailable or do not agree on the potential impact of this missense change (SIFT: "Not Available"; PolyPhen-2: "Probably Damaging"; Align-GVGD: "Not Available"). ClinVar contains an entry for this variant (Variation ID: 1505547). This missense change has been observed in individual(s) with Wiskott-Aldrich syndrome (PMID: 8931701, 9326235; Invitae). This variant is not present in population databases (gnomAD no frequency). This sequence change replaces glycine with arginine at codon 125 of the WAS protein (p.Gly125Arg). The glycine residue is highly conserved and there is a moderate physicochemical difference between glycine and arginine.

Literature cited by the submitters: PubMed 25091438; PubMed 19817875; PubMed 8931701; PubMed 9326235.

NM_000377.3(WAS):c.373G>C (p.Gly125Arg)

Gene: WAS (WASP actin nucleation promoting factor; plus strand). Cytogenetic location: Xp11.23.
Variant type: single nucleotide variant.
Coding change: c.373G>C on transcript NM_000377.3 (MANE Select); coding-DNA position 373, G replaced by C.
Protein change: p.Gly125Arg; replaces glycine 125 with arginine.
Molecular consequence: missense variant.
Genome position (GRCh38, 1-based): chrX:48,685,746, G>C. VCF-style: chrX-48685746-G-C. GRCh37 (hg19) VCF-style: chrX-48544135-G-C.
Other names: short protein forms G125R.
Identifiers: ClinVar variation 1505547 (VCV001505547.6), dbSNP rs2147263882, ClinGen allele CA412867409.